The following is an entry in ClinVar:

ClinVar aggregate classification (germline): Pathogenic. Review status: criteria provided, multiple submitters, no conflicts (2 of 4 stars). 2 submissions from 2 submitters: Pathogenic (2). Last evaluated 2025-08-24.

Conditions:
Mendelian susceptibility to mycobacterial diseases due to complete IL12RB1 deficiency. Also called: IL12RB1 DEFICIENCY; Immunodeficiency 30. Identifiers: Orphanet 319552, MedGen C4013949, MONDO:0013955, OMIM 614891.
IL12RB1-related disorders.

gnomAD v4.1: 9 of 1,612,156 alleles (0.00056%); highest among the groups gnomAD compares: East Asian, 0.018%; no homozygotes.

Submissions (2):

Labcorp Genetics (formerly Invitae), Labcorp
Classification: Pathogenic for Mendelian susceptibility to mycobacterial diseases due to complete IL12RB1 deficiency. Last evaluated: 2025-08-24. Review status: criteria provided, single submitter. Criteria: Invitae Variant Classification Sherloc (09022015). Collection method: clinical testing. Allele origin: germline.
Comment: This sequence change replaces arginine, which is basic and polar, with proline, which is neutral and non-polar, at codon 211 of the IL12RB1 protein (p.Arg211Pro). This variant is present in population databases (rs773520745, gnomAD 0.04%). This missense change has been observed in individual(s) with Mendelian susceptibility to mycobacterial disease (PMID: 30998751, 31367980). In at least one individual the data is consistent with being in trans (on the opposite chromosome) from a pathogenic variant. Invitae Evidence Modeling of protein sequence and biophysical properties (such as structural, functional, and spatial information, amino acid conservation, physicochemical variation, residue mobility, and thermodynamic stability) indicates that this missense variant is expected to disrupt IL12RB1 protein function with a positive predictive value of 80%. Experimental studies have shown that this missense change affects IL12RB1 function (PMID: 30998751). For these reasons, this variant has been classified as Pathogenic.

Blueprint Genetics
Classification: Pathogenic for IL12RB1-related disorders. Last evaluated: 2023-11-08. Review status: criteria provided, single submitter. Criteria: ACMG Guidelines, 2015. Collection method: clinical testing. Allele origin: germline. Affected: yes. Observed: 1 variant allele.

Literature cited by the submitters: PubMed 30998751 (cited by Labcorp Genetics (formerly Invitae), Labcorp); PubMed 31367980 (cited by Labcorp Genetics (formerly Invitae), Labcorp).

NM_005535.3(IL12RB1):c.632G>C (p.Arg211Pro)

Gene: IL12RB1 (interleukin 12 receptor subunit beta 1; minus strand). Cytogenetic location: 19p13.11.
Variant type: single nucleotide variant.
Coding change: c.632G>C on transcript NM_005535.3 (MANE Select); coding-DNA position 632, G replaced by C.
Protein change: p.Arg211Pro; replaces arginine 211 with proline.
Molecular consequence: missense variant.
Genome position (GRCh38, 1-based): chr19:18,075,817, C>G on the plus strand (G>C on the coding strand, the complement: IL12RB1 is on the minus strand). VCF-style: chr19-18075817-C-G. GRCh37 (hg19) VCF-style: chr19-18186627-C-G.
Other names: c.632G>C, p.Arg211Pro (NM_001290023.2, NM_001440424.1, NM_001440425.1 and 1 more transcripts); c.752G>C, p.Arg251Pro (NM_001290024.2, NM_001440426.1, NM_001440427.1); short protein forms R211P, R251P.
Identifiers: ClinVar variation 4710521 (VCV004710521.2).